The following is an entry in ClinVar:

NM_001252024.2(TRPM1):c.279+147T>G

Gene: TRPM1 (transient receptor potential cation channel subfamily M member 1; minus strand). Cytogenetic location: 15q13.3.
Variant type: single nucleotide variant.
Coding change: c.279+147T>G on transcript NM_001252024.2 (MANE Select); 147 bases into the intron after coding-DNA position 279, T replaced by G.
Molecular consequence: intron variant. On other transcripts: nonsense (1).
Genome position (GRCh38, 1-based): chr15:31,069,884, A>C on the plus strand (T>G on the coding strand, the complement: TRPM1 is on the minus strand). VCF-style: chr15-31069884-A-C. GRCh37 (hg19) VCF-style: chr15-31362087-A-C.
Other names: c.360T>G, p.Tyr120Ter (NM_001252030.2); c.330+147T>G (NM_001252020.2); c.213+147T>G (NM_002420.6); short protein forms Y120*.
Identifiers: ClinVar variation 623237 (VCV000623237.5), dbSNP rs150441866, ClinGen allele CA7453018.
Genomic context (GRCh38, chr15:31,069,884, plus strand): 5'-AGATGTTCTTTACAGTGGTGTCCAGTTTCCAAGCCTCATGGCTAAAAGCCATGTGCACAG[A>C]TATATCTCTTGGTTTTTCAATGAAATATCTAGGAAGATTGAGCCACAGCCATGAAGAAGA-3'

ClinVar aggregate classification (germline): Conflicting classifications of pathogenicity. Review status: criteria provided, conflicting classifications (1 of 4 stars). 6 submissions from 6 submitters: Pathogenic (1); Likely pathogenic (2); Uncertain significance (2); Likely benign (1). Last evaluated 2025-09-19.

Conditions:
Congenital stationary night blindness 1C. Also called: Night blindness, congenital stationary (complete), 1C, autosomal recessive. Identifiers: Orphanet 215, MedGen C2750747, MONDO:0013183, OMIM 613216.
TRPM1-related disorder. Also called: TRPM1-related condition.

Allele frequency attached by ClinVar (database versions not stated): gnomAD exomes below 0.00001; ExAC 0.00001; gnomAD 0.00001 and 0.00002; TOPMed 0.00001; 1000 Genomes Project 30x 0.00031; 1000 Genomes Project 0.00040.
gnomAD v4.1: 29 of 1,599,722 alleles (0.0018%); highest among the groups gnomAD compares: Middle Eastern, 0.05%; no homozygotes.

Submissions (6):

First Genomix Gene Laboratory, Genetic Diagnostics Department
Classification: Likely pathogenic for Congenital stationary night blindness 1C. Last evaluated: 2025-09-19. Review status: criteria provided, single submitter. Criteria: ACMG Guidelines, 2015. Collection method: clinical testing. Allele origin: germline. Inheritance: Autosomal recessive inheritance. Affected: no. Observed: 1 variant allele.

PreventionGenetics, part of Exact Sciences
Classification: Uncertain significance for TRPM1-related condition. Last evaluated: 2025-06-17. Review status: criteria provided, single submitter. Criteria: ACMG Guidelines, 2015. Collection method: clinical testing. Allele origin: germline.
Comment: The TRPM1 c.360T>G variant is predicted to result in premature protein termination (p.Tyr120*). This variant is in the last exon of this transcript (NM_001252030) and is predicted to escape nonsense mediated decay.This variant is also known as c.279+147T>G in an alternative transcript (NM_001252024) and is not predicted to affect splicing (SpliceAI, Jaganathan et al. 2019. PubMed ID: 30661751). This variant has been reported in an individual with retinal dystrophy (reported as c.360T>G, p.Y120X in Table S1, Yohe et al. 2020. PubMed ID: 31816670); however, this individual also had a causative homozygous variant in RPE65. This variant is reported in 0.0068% of alleles in individuals of African descent in gnomAD. At this time, the clinical significance of this variant is uncertain due to the absence of conclusive functional and genetic evidence.

Revvity Omics, Revvity
Classification: Uncertain significance for Congenital stationary night blindness 1C. Last evaluated: 2025-06-11. Review status: criteria provided, single submitter. Criteria: ACMG Guidelines, 2015. Collection method: clinical testing. Allele origin: germline.

Blueprint Genetics
Classification: Likely benign. Last evaluated: 2024-11-11. Review status: criteria provided, single submitter. Criteria: ACMG Guidelines, 2015. Collection method: clinical testing. Allele origin: germline.

Genomic Medicine Center of Excellence, King Faisal Specialist Hospital and Research Centre
Classification: Pathogenic for Congenital stationary night blindness 1C. Last evaluated: 2024-03-26. Review status: criteria provided, single submitter. Criteria: ACMG Guidelines, 2015. Collection method: clinical testing. Allele origin: germline.

Molecular Diagnostics Laboratory, M Health Fairview: University of Minnesota
Classification: Likely pathogenic for Congenital stationary night blindness 1C. Last evaluated: 2016-11-21. Review status: criteria provided, single submitter. Criteria: ACMG Guidelines, 2015. Collection method: clinical testing. Allele origin: germline. Affected: yes. Observed: 1 variant allele.

Literature cited by the submitters: PubMed 19896113 (cited by Molecular Diagnostics Laboratory, M Health Fairview: University of Minnesota); PubMed 20300565 (cited by Molecular Diagnostics Laboratory, M Health Fairview: University of Minnesota).